The following is an entry in ClinVar:

ClinVar aggregate classification (germline): Uncertain significance (1 of 4 stars; one submission).

Submission:

GeneDx
Classification: Uncertain significance. Last evaluated: 2020-01-07. Review status: criteria provided, single submitter. Criteria: GeneDx Variant Classification Process June 2021. Collection method: clinical testing. Allele origin: germline. Affected: yes.
Comment: Not observed in large population cohorts (Lek et al., 2016); In silico analysis, which includes protein predictors and evolutionary conservation, supports a deleterious effect; Has not been previously published as pathogenic or benign to our knowledge

NM_001321120.2(TBX4):c.266T>A (p.Ile89Asn)

Gene: TBX4 (T-box transcription factor 4; plus strand). Cytogenetic location: 17q23.2.
Variant type: single nucleotide variant.
Coding change: c.266T>A on transcript NM_001321120.2 (MANE Select); coding-DNA position 266, T replaced by A.
Protein change: p.Ile89Asn; replaces isoleucine 89 with asparagine.
Molecular consequence: missense variant.
Genome position (GRCh38, 1-based): chr17:61,457,616, T>A. VCF-style: chr17-61457616-T-A. GRCh37 (hg19) VCF-style: chr17-59534977-T-A.
Other names: c.266T>A, p.Ile89Asn (NM_018488.3); short protein forms I89N.
Identifiers: ClinVar variation 1311494 (VCV001311494.2), dbSNP rs2143796314, ClinGen allele CA400469799.